The following is an entry in ClinVar:

NM_152383.5(DIS3L2):c.943G>A (p.Ala315Thr)

Gene: DIS3L2 (DIS3 like 3'-5' exoribonuclease 2; plus strand). Cytogenetic location: 2q37.1.
Variant type: single nucleotide variant.
Coding change: c.943G>A on transcript NM_152383.5 (MANE Select); coding-DNA position 943, G replaced by A.
Protein change: p.Ala315Thr; replaces alanine 315 with threonine.
Molecular consequence: missense variant. On other transcripts: non-coding transcript variant (1).
Genome position (GRCh38, 1-based): chr2:232,136,712, G>A. VCF-style: chr2-232136712-G-A. GRCh37 (hg19) VCF-style: chr2-233001422-G-A.
Other names: c.943G>A, p.Ala315Thr (NM_001257281.2); short protein forms A315T.
Identifiers: ClinVar variation 843204 (VCV000843204.9), dbSNP rs773590340, ClinGen allele CA351153939.

ClinVar aggregate classification (germline): Uncertain significance (1 of 4 stars; one submission).

Conditions:
Perlman syndrome (PRLMNS). Identifiers: Orphanet 2849, MedGen C0796113, MONDO:0009965, OMIM 267000.

Submission:

Labcorp Genetics (formerly Invitae), Labcorp
Classification: Uncertain significance for Perlman syndrome. Last evaluated: 2022-08-09. Review status: criteria provided, single submitter. Criteria: Invitae Variant Classification Sherloc (09022015). Collection method: clinical testing. Allele origin: germline.
Comment: Algorithms developed to predict the effect of missense changes on protein structure and function are either unavailable or do not agree on the potential impact of this missense change (SIFT: "Tolerated"; PolyPhen-2: "Probably Damaging"; Align-GVGD: "Class C0"). In summary, the available evidence is currently insufficient to determine the role of this variant in disease. Therefore, it has been classified as a Variant of Uncertain Significance. This sequence change replaces alanine, which is neutral and non-polar, with threonine, which is neutral and polar, at codon 315 of the DIS3L2 protein (p.Ala315Thr). This variant is not present in population databases (gnomAD no frequency). This variant has not been reported in the literature in individuals affected with DIS3L2-related conditions. ClinVar contains an entry for this variant (Variation ID: 843204).